The following is an entry in ClinVar:

NM_000127.3(EXT1):c.61_62insAA (p.Phe21Ter)

Gene: EXT1 (exostosin glycosyltransferase 1; minus strand). Cytogenetic location: 8q24.11.
Variant type: Insertion.
Coding change: c.61_62insAA on transcript NM_000127.3 (MANE Select); coding-DNA positions 61 to 62, AA inserted.
Protein change: p.Phe21Ter; replaces phenylalanine 21 with a stop codon.
Molecular consequence: nonsense.
Genome position: GRCh38 VCF-style: chr8-118110985-A-ATT. GRCh37 (hg19) VCF-style: chr8-119123224-A-ATT.
Other names: short protein forms F21*.
Identifiers: ClinVar variation 422434 (VCV000422434.3), dbSNP rs1064795778, ClinGen allele CA16618593.

ClinVar aggregate classification (germline): Pathogenic (1 of 4 stars; one submission).

Submission:

GeneDx
Classification: Pathogenic. Last evaluated: 2020-12-16. Review status: criteria provided, single submitter. Criteria: GeneDx Variant Classification Process June 2021. Collection method: clinical testing. Allele origin: germline. Affected: yes.
Comment: Nonsense variant predicted to result in protein truncation or nonsense mediated decay in a gene for which loss-of-function is a known mechanism of disease; Not observed in large population cohorts (Lek et al., 2016); Has not been previously published as pathogenic or benign to our knowledge